The following is an entry in ClinVar:

NC_000007.13:g.(?_102937907)_(107643330_?)dup

Genes: ATXN7L1 (ataxin 7 like 1; minus strand), BCAP29 (B cell receptor associated protein 29; plus strand), CBLL1 (Cbl proto-oncogene like 1; plus strand), CCDC71L (coiled-coil domain containing 71 like; minus strand), CDHR3 (cadherin related family member 3; plus strand) and 23 more. Cytogenetic location: 7q22.1-31.1.
Variant type: Duplication.
Identifiers: ClinVar variation 2427609 (VCV002427609.4).

ClinVar aggregate classification (germline): Uncertain significance (1 of 4 stars; one submission).

Submission:

Labcorp Genetics (formerly Invitae), Labcorp
Classification: Uncertain significance. Last evaluated: 2023-12-07. Review status: criteria provided, single submitter. Criteria: Invitae Variant Classification Sherloc (09022015). Collection method: clinical testing. Allele origin: germline.
Comment: A copy number gain of the genomic region encompassing the full coding sequence of the KMT2E gene has been identified. The boundaries of this event are unknown as they extend beyond the assayed region for this gene and therefore may encompass additional genes. As the precise location of this event is unknown, it may be in tandem or it may be located elsewhere in the genome. A similar copy number variant has been observed in individual(s) with autism (PMID: 23375656). This variant is also known as MLL5 chr7:104379293-104510086 Dup. In summary, the available evidence is currently insufficient to determine the role of this variant in disease. Therefore, it has been classified as a Variant of Uncertain Significance.

Literature cited by the submitters: PubMed 23375656.